The following is an entry in ClinVar:

NM_001040142.2(SCN2A):c.4549G>A (p.Ala1517Thr)

Gene: SCN2A (sodium voltage-gated channel alpha subunit 2; plus strand). Cytogenetic location: 2q24.3.
Variant type: single nucleotide variant.
Coding change: c.4549G>A on transcript NM_001040142.2 (MANE Select); coding-DNA position 4549, G replaced by A.
Protein change: p.Ala1517Thr; replaces alanine 1517 with threonine.
Molecular consequence: missense variant.
Genome position (GRCh38, 1-based): chr2:165,381,195, G>A. VCF-style: chr2-165381195-G-A. GRCh37 (hg19) VCF-style: chr2-166237705-G-A.
Other names: c.4549G>A, p.Ala1517Thr (NM_001040143.2, NM_001371246.1, NM_001371247.1 and 1 more transcripts); short protein forms A1517T.
Identifiers: ClinVar variation 842103 (VCV000842103.8), dbSNP rs1701583848, ClinGen allele CA349034996.

ClinVar aggregate classification (germline): Uncertain significance (1 of 4 stars; one submission).

Conditions:
Developmental and epileptic encephalopathy, 11 (DEE11). Also called: Early infantile epileptic encephalopathy 11. Identifiers: Orphanet 1934, MedGen C3150987, MONDO:0013388, OMIM 613721.
Seizures, benign familial infantile, 3 (BFIS3). Also called: Familial neonatal seizures; CONVULSIONS, BENIGN FAMILIAL INFANTILE, 3. Identifiers: Orphanet 140927, Orphanet 306, MedGen C1843140, MONDO:0011904, OMIM 607745.

gnomAD v4.1: 2 of 1,564,822 alleles (0.00013%); highest among the groups gnomAD compares: Non-Finnish European, 0.00017%; no homozygotes.

Submission:

Labcorp Genetics (formerly Invitae), Labcorp
Classification: Uncertain significance for Seizures, benign familial infantile, 3; Developmental and epileptic encephalopathy, 11. Last evaluated: 2019-02-27. Review status: criteria provided, single submitter. Criteria: Invitae Variant Classification Sherloc (09022015). Collection method: clinical testing. Allele origin: germline.
Comment: In summary, the available evidence is currently insufficient to determine the role of this variant in disease. Therefore, it has been classified as a Variant of Uncertain Significance. Algorithms developed to predict the effect of missense changes on protein structure and function are either unavailable or do not agree on the potential impact of this missense change (SIFT: "Deleterious"; PolyPhen-2: "Benign"; Align-GVGD: "Class C0"). This variant has not been reported in the literature in individuals with SCN2A-related conditions. This variant is not present in population databases (ExAC no frequency). This sequence change replaces alanine with threonine at codon 1517 of the SCN2A protein (p.Ala1517Thr). The alanine residue is moderately conserved and there is a small physicochemical difference between alanine and threonine.